The following is an entry in ClinVar:

ClinVar aggregate classification (germline): Conflicting classifications of pathogenicity. Review status: criteria provided, conflicting classifications (1 of 4 stars). 5 submissions from 4 submitters: Uncertain significance (4); Likely benign (1). Last evaluated 2023-11-10.

Conditions:
Inborn genetic diseases. Identifiers: MedGen C0950123, MeSH D030342.
Macrothrombocytopenia and granulocyte inclusions with or without nephritis or sensorineural hearing loss (MATINS). Also called: BLEEDING DISORDER, PLATELET-TYPE, 6; MAY-HEGGLIN ANOMALY; SEBASTIAN PLATELET SYNDROME; MACROTHROMBOCYTOPENIA WITH DISPERSED LEUKOCYTIC INCLUSIONS; MACROTHROMBOCYTOPENIA, NEPHRITIS, AND DEAFNESS; MACROTHROMBOCYTOPENIA, NEPHRITIS, DEAFNESS, AND LEUKOCYTE INCLUSIONS. Identifiers: Orphanet 182050, MedGen C5200934, MONDO:0015912, OMIM 155100.
Autosomal dominant nonsyndromic hearing loss 17. Also called: Deafness, autosomal dominant 17; Autosomal dominant nonsyndromic deafness 17. Identifiers: Orphanet 90635, MedGen C1863659, MONDO:0011350, OMIM 603622.
MYH9-related disorder. Identifiers: MedGen C1854520.

Allele frequency attached by ClinVar (database versions not stated): gnomAD 0.00001; gnomAD exomes 0.00001 and 0.00002; ExAC 0.00002; TOPMed 0.00003.
gnomAD v4.1: 20 of 1,613,108 alleles (0.0012%); highest among the groups gnomAD compares: East Asian, 0.0067%; no homozygotes.

Submissions (5):

Labcorp Genetics (formerly Invitae), Labcorp
Classification: Likely benign. Last evaluated: 2023-11-10. Review status: criteria provided, single submitter. Criteria: Invitae Variant Classification Sherloc (09022015). Collection method: clinical testing. Allele origin: germline.

Ambry Genetics
Classification: Uncertain significance for Inborn genetic diseases. Last evaluated: 2021-07-14. Review status: criteria provided, single submitter. Criteria: Ambry Variant Classification Scheme 2023. Collection method: clinical testing. Allele origin: germline.

Illumina Laboratory Services, Illumina
Classification: Uncertain significance for Autosomal dominant nonsyndromic hearing loss 17. Last evaluated: 2018-01-12. Review status: criteria provided, single submitter. Criteria: ICSL Variant Classification Criteria 13 December 2019. Collection method: clinical testing. Allele origin: germline.

Illumina Laboratory Services, Illumina
Classification: Uncertain significance for MYH9-related disorder. Last evaluated: 2018-01-12. Review status: criteria provided, single submitter. Criteria: ICSL Variant Classification Criteria 13 December 2019. Collection method: clinical testing. Allele origin: germline.

Neuberg Centre For Genomic Medicine, NCGM
Classification: Uncertain significance for Macrothrombocytopenia and granulocyte inclusions with or without nephritis or sensorineural hearing loss. Review status: criteria provided, single submitter. Criteria: ACMG Guidelines, 2015. Collection method: clinical testing. Allele origin: germline. Inheritance: Autosomal dominant inheritance. Affected: yes.
Comment: The c.5108G>A (p.Arg1703Gln) missense variant in MYH9 gene has been submitted to ClinVar as a Variant of Uncertain Significance (VUS). It has not been reported in affected individuals. The p.Arg1703Gln variant is reported with the allele frequency (0.001%) in the gnomAD Exomes and is novel (not in any individuals) in 1000 Genomes. The amino acid Arg at position 1703 is changed to a Gln changing protein sequence and it might alter its composition and physico-chemical properties. The variant is predicted to be damaging by both SIFT and PolyPhen2. The residue is conserved across species. The amino acid change p.Arg1703Gln in MYH9 is predicted as conserved by GERP++ and PhyloP across 100 vertebrates. For these reasons, this variant has been classified as Variant of Uncertain Significance (VUS).

NM_002473.6(MYH9):c.5108G>A (p.Arg1703Gln)

Gene: MYH9 (myosin heavy chain 9; minus strand). Cytogenetic location: 22q12.3.
Variant type: single nucleotide variant.
Coding change: c.5108G>A on transcript NM_002473.6 (MANE Select); coding-DNA position 5108, G replaced by A.
Protein change: p.Arg1703Gln; replaces arginine 1703 with glutamine.
Molecular consequence: missense variant.
Genome position (GRCh38, 1-based): chr22:36,285,907, C>T on the plus strand (G>A on the coding strand, the complement: MYH9 is on the minus strand). VCF-style: chr22-36285907-C-T. GRCh37 (hg19) VCF-style: chr22-36681953-C-T.
Other names: c.5108G>A (NM_002473.5); short protein forms R1703Q.
Identifiers: ClinVar variation 903365 (VCV000903365.9), dbSNP rs754714910, ClinGen allele CA10209170.